The following is an entry in ClinVar:

ClinVar aggregate classification (germline): Conflicting classifications of pathogenicity. Review status: criteria provided, conflicting classifications (1 of 4 stars). 3 submissions from 3 submitters: Pathogenic (1); Likely pathogenic (1); Uncertain significance (1). Last evaluated 2025-03-18.

Conditions:
GNAS-related disorder. Identifiers: MedGen CN380105.
Pseudohypoparathyroidism type I A (PHP1A). Also called: Pseudohypoparathyroidism Type IA; ALBRIGHT HEREDITARY OSTEODYSTROPHY WITH MULTIPLE HORMONE RESISTANCE; Pseudohypoparathyroidism type 1A; Pseudohypoparathyroidism Ia (PHP-Ia); PHP IA. Identifiers: Orphanet 79443, MedGen C3494506, MONDO:0007078, OMIM 103580.

Submissions (3):

PreventionGenetics, part of Exact Sciences
Classification: Likely pathogenic for GNAS-related condition. Last evaluated: 2025-03-18. Review status: criteria provided, single submitter. Criteria: ACMG Guidelines, 2015. Collection method: clinical testing. Allele origin: germline.
Comment: The GNAS c.595C>T variant is predicted to result in the amino acid substitution p.Arg199Cys. This variant was reported in an individual with severe obesity (Mendes de Oliveira et al. 2021. PubMed ID: 34614324) and has also been reported in multiple individuals undergoing testing for obesity at PreventionGenetics. Of note, a different variant impacting the same amino acid [c.595C>G (Arg199Gly)] has been reported in an individual with obesity and short statue (Supplemental Table 1, Index No P57/M57, reported as c.598C>G, Thiele et al. 2015. PubMed ID: 25802881). This variant has not been reported in a large population database (gnomAD), indicating this variant is rare. Taken together, this variant is interpreted as likely pathogenic.

Genetics of Obesity Study, University of Cambridge
Classification: Pathogenic for Pseudohypoparathyroidism type I A. Last evaluated: 2020-06-01. Review status: criteria provided, single submitter. Criteria: ACMG Guidelines, 2015. Collection method: research. Allele origin: maternal. Affected: yes.

Blueprint Genetics
Classification: Uncertain significance. Last evaluated: 2017-07-27. Review status: criteria provided, single submitter. Criteria: ACMG Guidelines, 2015. Collection method: clinical testing. Allele origin: germline.

Literature cited by the submitters: PubMed 34614324 (cited by Genetics of Obesity Study, University of Cambridge).

NM_000516.7(GNAS):c.595C>T (p.Arg199Cys)

Gene: GNAS (GNAS complex locus; plus strand). Cytogenetic location: 20q13.32.
Variant type: single nucleotide variant.
Coding change: c.595C>T on transcript NM_000516.7 (MANE Select); coding-DNA position 595, C replaced by T.
Protein change: p.Arg199Cys; replaces arginine 199 with cysteine.
Molecular consequence: missense variant. On other transcripts: 3 prime UTR variant (2).
Genome position (GRCh38, 1-based): chr20:58,909,359, C>T. VCF-style: chr20-58909359-C-T. GRCh37 (hg19) VCF-style: chr20-57484414-C-T.
Other names: c.598C>T, p.Arg200Cys (NM_001077488.5); c.550C>T, p.Arg184Cys (NM_001077489.4); c.*456C>T (NM_001077490.3); c.418C>T, p.Arg140Cys (NM_001309840.2, NM_001309861.2); c.*501C>T (NM_016592.5); c.2524C>T, p.Arg842Cys (NM_080425.4); c.553C>T, p.Arg185Cys (NM_080426.4); c.595C>T (NM_000516.5); short protein forms R199C, R140C, R184C, R185C, R200C, R842C.
Identifiers: ClinVar variation 1065885 (VCV001065885.3), dbSNP rs2146270332, ClinGen allele CA409452101.